The following is an entry in ClinVar:

NM_017635.5(KMT5B):c.1843C>A (p.Arg615=)

Gene: KMT5B (lysine methyltransferase 5B; minus strand). Cytogenetic location: 11q13.2.
Variant type: single nucleotide variant.
Coding change: c.1843C>A on transcript NM_017635.5 (MANE Select); coding-DNA position 1843, C replaced by A.
Protein change: p.Arg615=; no amino-acid change (arginine 615 retained).
Molecular consequence: synonymous variant.
Genome position (GRCh38, 1-based): chr11:68,158,503, G>T on the plus strand (C>A on the coding strand, the complement: KMT5B is on the minus strand). VCF-style: chr11-68158503-G-T. GRCh37 (hg19) VCF-style: chr11-67925970-G-T.
Other names: c.1327C>A, p.Arg443= (NM_001300907.1, NM_001369428.1, NM_001369429.1 and 4 more transcripts); c.1123C>A, p.Arg375= (NM_001300908.2); c.1843C>A, p.Arg615= (NM_001369426.1); c.1843C>A (NM_017635.4).
Identifiers: ClinVar variation 2498521 (VCV002498521.30), dbSNP rs148005738, ClinGen allele CA6148104.

ClinVar aggregate classification (germline): Likely benign. Review status: criteria provided, multiple submitters, no conflicts (2 of 4 stars). 3 submissions from 3 submitters: Likely benign (2). 1 of the submissions does not count toward it. Last evaluated 2025-10-01.

Conditions:
KMT5B-related disorder. Also called: KMT5B-related condition.

Allele frequency attached by ClinVar (database versions not stated): 1000 Genomes Project 0.00040; 1000 Genomes Project 30x 0.00047; ExAC 0.00173; gnomAD 0.00202; ESP Exome Variant Server 0.00223; TOPMed 0.00227; gnomAD exomes 0.00268.
gnomAD v4.1: 4,218 of 1,614,052 alleles (0.26%); highest among the groups gnomAD compares: Non-Finnish European, 0.32%; 9 homozygotes.

Submissions (3):

CeGaT Center for Human Genetics Tuebingen
Classification: Likely benign. Last evaluated: 2025-10-01. Review status: criteria provided, single submitter. Criteria: CeGaT Center For Human Genetics Tuebingen Variant Classification Criteria Version 2. Collection method: clinical testing. Allele origin: germline. Affected: yes. Observed: 11 variant alleles.
Comment: KMT5B: BP4, BS1

Blueprint Genetics
Classification: Likely benign. Last evaluated: 2024-11-27. Review status: criteria provided, single submitter. Criteria: ACMG Guidelines, 2015. Collection method: clinical testing. Allele origin: germline.

PreventionGenetics, part of Exact Sciences
Classification: Benign for KMT5B-related condition. Last evaluated: 2021-01-05. Review status: no assertion criteria provided. Collection method: clinical testing. Allele origin: germline. Not counted in ClinVar's aggregate classification.
Comment: This variant is classified as benign based on ACMG/AMP sequence variant interpretation guidelines (Richards et al. 2015 PMID: 25741868, with internal and published modifications).